The following is an entry in ClinVar:

NM_001367823.1(ARHGEF18):c.1468C>T (p.Arg490Cys)

Gene: ARHGEF18 (Rho/Rac guanine nucleotide exchange factor 18; plus strand). Cytogenetic location: 19p13.2.
Variant type: single nucleotide variant.
Coding change: c.1468C>T on transcript NM_001367823.1 (MANE Select); coding-DNA position 1468, C replaced by T.
Protein change: p.Arg490Cys; replaces arginine 490 with cysteine.
Molecular consequence: missense variant.
Genome position (GRCh38, 1-based): chr19:7,444,311, C>T. VCF-style: chr19-7444311-C-T. GRCh37 (hg19) VCF-style: chr19-7509197-C-T.
Other names: c.742C>T, p.Arg248Cys (NM_001130955.2); c.430C>T, p.Arg144Cys (NM_001367824.1, NM_015318.4); short protein forms R248C, R144C, R490C.
Identifiers: ClinVar variation 1942053 (VCV001942053.6), dbSNP rs764885531, ClinGen allele CA9136478.

ClinVar aggregate classification (germline): Uncertain significance. Review status: criteria provided, multiple submitters, no conflicts (2 of 4 stars). 2 submissions from 2 submitters: Uncertain significance (2). Last evaluated 2024-10-16.

Conditions:
Inborn genetic diseases. Identifiers: MedGen C0950123, MeSH D030342.

Allele frequency attached by ClinVar (database versions not stated): TOPMed below 0.00001; gnomAD 0.00001; gnomAD exomes 0.00001; ExAC 0.00002.
gnomAD v4.1: 9 of 1,613,562 alleles (0.00056%); highest among the groups gnomAD compares: South Asian, 0.0033%; no homozygotes.

Submissions (2):

Labcorp Genetics (formerly Invitae), Labcorp
Classification: Uncertain significance. Last evaluated: 2024-10-16. Review status: criteria provided, single submitter. Criteria: Invitae Variant Classification Sherloc (09022015). Collection method: clinical testing. Allele origin: germline.
Comment: This sequence change replaces arginine, which is basic and polar, with cysteine, which is neutral and slightly polar, at codon 302 of the ARHGEF18 protein (p.Arg302Cys). This variant is present in population databases (rs764885531, gnomAD 0.007%). This variant has not been reported in the literature in individuals affected with ARHGEF18-related conditions. ClinVar contains an entry for this variant (Variation ID: 1942053). An algorithm developed to predict the effect of missense changes on protein structure and function (PolyPhen-2) suggests that this variant is likely to be disruptive. In summary, the available evidence is currently insufficient to determine the role of this variant in disease. Therefore, it has been classified as a Variant of Uncertain Significance.

Ambry Genetics
Classification: Uncertain significance for Inborn genetic diseases. Last evaluated: 2022-07-05. Review status: criteria provided, single submitter. Criteria: Ambry Variant Classification Scheme 2023. Collection method: clinical testing. Allele origin: germline.